The following is an entry in ClinVar:

NM_013432.5(TONSL):c.2669C>A (p.Pro890Gln)

Genes: TONSL (tonsoku like, DNA repair protein; minus strand), TONSL-AS1 (TONSL antisense RNA 1; plus strand). Cytogenetic location: 8q24.3.
Variant type: single nucleotide variant.
Coding change: c.2669C>A on transcript NM_013432.5 (MANE Select); coding-DNA position 2669, C replaced by A.
Protein change: p.Pro890Gln; replaces proline 890 with glutamine.
Molecular consequence: missense variant.
Genome position (GRCh38, 1-based): chr8:144,435,764, G>T on the plus strand (C>A on the coding strand, the complement: TONSL is on the minus strand). VCF-style: chr8-144435764-G-T. GRCh37 (hg19) VCF-style: chr8-145661147-G-T.
Other names: short protein forms P890Q.
Identifiers: ClinVar variation 1995094 (VCV001995094.4), dbSNP rs1586687244, ClinGen allele CA372653380.

ClinVar aggregate classification (germline): Uncertain significance (1 of 4 stars; one submission).

Allele frequency attached by ClinVar (database versions not stated): gnomAD exomes below 0.00001.

Submission:

Labcorp Genetics (formerly Invitae), Labcorp
Classification: Uncertain significance. Last evaluated: 2024-04-29. Review status: criteria provided, single submitter. Criteria: Invitae Variant Classification Sherloc (09022015). Collection method: clinical testing. Allele origin: germline.
Comment: This sequence change replaces proline, which is neutral and non-polar, with glutamine, which is neutral and polar, at codon 890 of the TONSL protein (p.Pro890Gln). This variant is not present in population databases (gnomAD no frequency). This variant has not been reported in the literature in individuals affected with TONSL-related conditions. ClinVar contains an entry for this variant (Variation ID: 1995094). Advanced modeling of protein sequence and biophysical properties (such as structural, functional, and spatial information, amino acid conservation, physicochemical variation, residue mobility, and thermodynamic stability) has been performed at Invitae for this missense variant, however the output from this modeling did not meet the statistical confidence thresholds required to predict the impact of this variant on TONSL protein function. In summary, the available evidence is currently insufficient to determine the role of this variant in disease. Therefore, it has been classified as a Variant of Uncertain Significance.